The following is an entry in ClinVar:

NM_021813.4(BACH2):c.782A>G (p.Asn261Ser)

Gene: BACH2 (BACH transcriptional regulator 2; minus strand). Cytogenetic location: 6q15.
Variant type: single nucleotide variant.
Coding change: c.782A>G on transcript NM_021813.4 (MANE Select); coding-DNA position 782, A replaced by G.
Protein change: p.Asn261Ser; replaces asparagine 261 with serine.
Molecular consequence: missense variant.
Genome position (GRCh38, 1-based): chr6:89,951,324, T>C on the plus strand (A>G on the coding strand, the complement: BACH2 is on the minus strand). VCF-style: chr6-89951324-T-C. GRCh37 (hg19) VCF-style: chr6-90661043-T-C.
Other names: c.782A>G, p.Asn261Ser (NM_001170794.2); short protein forms N261S.
Identifiers: ClinVar variation 2976727 (VCV002976727.3), dbSNP rs772104897, ClinGen allele CA3928111.

ClinVar aggregate classification (germline): Uncertain significance (1 of 4 stars; one submission).

Allele frequency attached by ClinVar (database versions not stated): gnomAD exomes below 0.00001; ExAC 0.00002.
gnomAD v4.1: 6 of 1,614,168 alleles (0.00037%); highest among the groups gnomAD compares: Non-Finnish European, 0.00051%; no homozygotes.

Submission:

Labcorp Genetics (formerly Invitae), Labcorp
Classification: Uncertain significance. Last evaluated: 2023-06-27. Review status: criteria provided, single submitter. Criteria: Invitae Variant Classification Sherloc (09022015). Collection method: clinical testing. Allele origin: germline.
Comment: In summary, the available evidence is currently insufficient to determine the role of this variant in disease. Therefore, it has been classified as a Variant of Uncertain Significance. Advanced modeling of protein sequence and biophysical properties (such as structural, functional, and spatial information, amino acid conservation, physicochemical variation, residue mobility, and thermodynamic stability) performed at Invitae indicates that this missense variant is not expected to disrupt BACH2 protein function. This variant has not been reported in the literature in individuals affected with BACH2-related conditions. This variant is present in population databases (rs772104897, gnomAD 0.003%). This sequence change replaces asparagine, which is neutral and polar, with serine, which is neutral and polar, at codon 261 of the BACH2 protein (p.Asn261Ser).